The following is an entry in ClinVar:

NM_006734.4(HIVEP2):c.4910A>G (p.Gln1637Arg)

Gene: HIVEP2 (HIVEP zinc finger 2; minus strand). Cytogenetic location: 6q24.2.
Variant type: single nucleotide variant.
Coding change: c.4910A>G on transcript NM_006734.4 (MANE Select); coding-DNA position 4910, A replaced by G.
Protein change: p.Gln1637Arg; replaces glutamine 1637 with arginine.
Molecular consequence: missense variant.
Genome position (GRCh38, 1-based): chr6:142,769,829, T>C on the plus strand (A>G on the coding strand, the complement: HIVEP2 is on the minus strand). VCF-style: chr6-142769829-T-C. GRCh37 (hg19) VCF-style: chr6-143090966-T-C.
Other names: short protein forms Q1637R.
Identifiers: ClinVar variation 2501183 (VCV002501183.2), dbSNP rs1175855081, ClinGen allele CA365897365.
Genomic context (GRCh38, chr6:142,769,829, plus strand): 5'-GGTTTTGTATAATTCAAGAAGCACCAACTCACAGTAGTTGTTGTCCGCAGACTGGGGAAC[T>C]GAAGAATCTGCTGGAAATCTGCCATGTCCGTGAGAAGAAGAGTTGAGTCTGCCACGTTCC-3'
Protein context (NP_006725.3, residues 1627-1647): TDMADFQQIL[Gln1637Arg]FPSLRTTTTV

ClinVar aggregate classification (germline): Uncertain significance. Review status: criteria provided, multiple submitters, no conflicts (2 of 4 stars). 2 submissions from 2 submitters: Uncertain significance (2). Last evaluated 2025-06-09.

gnomAD v4.1: 4 of 1,614,180 alleles (0.00025%); highest among the groups gnomAD compares: Non-Finnish European, 0.000085%; no homozygotes.

Submissions (2):

Labcorp Genetics (formerly Invitae), Labcorp
Classification: Uncertain significance. Last evaluated: 2025-06-09. Review status: criteria provided, single submitter. Criteria: Invitae Variant Classification Sherloc (09022015). Collection method: clinical testing. Allele origin: germline.
Comment: This sequence change replaces glutamine, which is neutral and polar, with arginine, which is basic and polar, at codon 1637 of the HIVEP2 protein (p.Gln1637Arg). This variant is present in population databases (no rsID available, gnomAD no frequency). This variant has not been reported in the literature in individuals affected with HIVEP2-related conditions. ClinVar contains an entry for this variant (Variation ID: 2501183). Invitae Evidence Modeling of protein sequence and biophysical properties (such as structural, functional, and spatial information, amino acid conservation, physicochemical variation, residue mobility, and thermodynamic stability) indicates that this missense variant is expected to disrupt HIVEP2 protein function with a positive predictive value of 80%. In summary, the available evidence is currently insufficient to determine the role of this variant in disease. Therefore, it has been classified as a Variant of Uncertain Significance.

Women's Health and Genetics/Laboratory Corporation of America, LabCorp
Classification: Uncertain significance. Last evaluated: 2023-03-24. Review status: criteria provided, single submitter. Criteria: LabCorp Variant Classification Summary - May 2015. Collection method: clinical testing. Allele origin: germline.
Comment: Variant summary: HIVEP2 c.4910A>G (p.Gln1637Arg) results in a conservative amino acid change in the encoded protein sequence. Four of five in-silico tools predict a benign effect of the variant on protein function. The variant allele was found at a frequency of 4e-06 in 249546 control chromosomes (gnomAD). The available data on variant occurrences in the general population are insufficient to allow any conclusion about variant significance. To our knowledge, no occurrence of c.4910A>G in individuals affected with Intellectual Disability, Autosomal Dominant 43 and no experimental evidence demonstrating its impact on protein function have been reported. No clinical diagnostic laboratories have submitted clinical-significance assessments for this variant to ClinVar after 2014. Based on the evidence outlined above, the variant was classified as uncertain significance.